The following is an entry in ClinVar:

NM_006502.3(POLH):c.626G>T (p.Gly209Val)

Gene: POLH (DNA polymerase eta; plus strand). Cytogenetic location: 6p21.1.
Variant type: single nucleotide variant.
Coding change: c.626G>T on transcript NM_006502.3 (MANE Select); coding-DNA position 626, G replaced by T.
Protein change: p.Gly209Val; replaces glycine 209 with valine.
Molecular consequence: missense variant.
Genome position (GRCh38, 1-based): chr6:43,597,831, G>T. VCF-style: chr6-43597831-G-T. GRCh37 (hg19) VCF-style: chr6-43565568-G-T.
Other names: c.254G>T, p.Gly85Val (NM_001291969.2); c.626G>T, p.Gly209Val (NM_001291970.2); short protein forms G209V, G85V.
Identifiers: ClinVar variation 259990 (VCV000259990.49), dbSNP rs2307456, ClinGen allele CA3827028.

ClinVar aggregate classification (germline): Benign/Likely benign. Review status: criteria provided, multiple submitters, no conflicts (2 of 4 stars). 15 submissions from 15 submitters: Benign (6); Likely benign (5). 4 of the submissions do not count toward it. Last evaluated 2026-07-01.

Conditions:
Xeroderma pigmentosum (XP). Identifiers: Orphanet 910, MedGen C0043346, MONDO:0019600.
Xeroderma pigmentosum variant type. Also called: PHOTOSENSITIVITY WITH DEFECTIVE DNA SYNTHESIS; XERODERMA PIGMENTOSUM WITH NORMAL DNA REPAIR RATES; POLH-Related Xeroderma Pigmentosum. Identifiers: Orphanet 90342, MedGen C1848410, MONDO:0010214, OMIM 278750.
Malignant tumor of breast. Also called: Malignant breast neoplasm; Cancer breast. Identifiers: MedGen C0006142, MONDO:0007254. Disease mechanism: loss of function.

Allele frequency attached by ClinVar (database versions not stated): ESP Exome Variant Server 0.00223; TOPMed 0.00224; gnomAD 0.00253 and 0.00281; gnomAD exomes 0.00331 and 0.00378; ExAC 0.00341; 1000 Genomes Project 30x 0.00406; 1000 Genomes Project 0.00419.
gnomAD v4.1: 5,279 of 1,613,940 alleles (0.33%); highest among the groups gnomAD compares: South Asian, 1%; 16 homozygotes.

Submissions (15):

CeGaT Center for Human Genetics Tuebingen
Classification: Benign. Last evaluated: 2026-07-01. Review status: criteria provided, single submitter. Criteria: CeGaT Center For Human Genetics Tuebingen Variant Classification Criteria Version 2. Collection method: clinical testing. Allele origin: germline. Affected: yes. Observed: 34 variant alleles.
Comment: POLH: BS1, BS2

Labcorp Genetics (formerly Invitae), Labcorp
Classification: Benign. Last evaluated: 2026-02-04. Review status: criteria provided, single submitter. Criteria: Invitae Variant Classification Sherloc (09022015). Collection method: clinical testing. Allele origin: germline.

Blueprint Genetics
Classification: Likely benign. Last evaluated: 2024-11-22. Review status: criteria provided, single submitter. Criteria: ACMG Guidelines, 2015. Collection method: clinical testing. Allele origin: germline.

KCCC/NGS Laboratory, Kuwait Cancer Control Center
Classification: Benign for Xeroderma pigmentosum variant type. Last evaluated: 2023-07-07. Review status: criteria provided, single submitter. Criteria: ACMG Guidelines, 2015. Collection method: clinical testing. Allele origin: germline. Affected: yes.

Women's Health and Genetics/Laboratory Corporation of America, LabCorp
Classification: Benign. Last evaluated: 2022-07-13. Review status: criteria provided, single submitter. Criteria: LabCorp Variant Classification Summary - May 2015. Collection method: clinical testing. Allele origin: germline.
Comment: Variant summary: POLH c.626G>T (p.Gly209Val) results in a non-conservative amino acid change located in the UmuC domain (IPR001126) of the encoded protein sequence. Five of five in-silico tools predict a damaging effect of the variant on protein function. The variant allele was found at a frequency of 0.0038 in 251482 control chromosomes, predominantly at a frequency of 0.01 within the South Asian subpopulation in the gnomAD database, including 3 homozygotes. The observed variant frequency within South Asian control individuals in the gnomAD database is approximately 34-fold of the estimated maximal expected allele frequency for a pathogenic variant in POLH causing Xeroderma Pigmentosum phenotype (0.0003), strongly suggesting that the variant is a benign polymorphism found primarily in populations of South Asian origin. c.626G>T has been reported in the literature in individuals affected with melanoma and suspected HBOC (Potjer_2019, Moradian_2021). These reports do not provide unequivocal conclusions about association of the variant with Xeroderma Pigmentosum. To our knowledge, no experimental evidence demonstrating an impact on protein function has been reported. Five ClinVar submitters (evaluation after 2014) cite the variant as benign/likely benign. Based on the evidence outlined above, the variant was classified as benign.

Sema4
Classification: Benign for Xeroderma pigmentosum. Last evaluated: 2021-02-18. Review status: criteria provided, single submitter. Criteria: Sema4 Curation Guidelines. Collection method: curation. Allele origin: germline.

Mendelics
Classification: Likely benign for Xeroderma pigmentosum variant type. Last evaluated: 2019-05-28. Review status: criteria provided, single submitter. Criteria: Mendelics Assertion Criteria 2017. Collection method: clinical testing. Allele origin: unknown.

GeneDx
Classification: Likely benign. Last evaluated: 2019-05-06. Review status: criteria provided, single submitter. Criteria: GeneDx Variant Classification Process June 2021. Collection method: clinical testing. Allele origin: germline. Affected: yes.
Comment: This variant is associated with the following publications: (PMID: 30414346)

Illumina Laboratory Services, Illumina
Classification: Likely benign for Xeroderma pigmentosum variant type. Last evaluated: 2018-01-12. Review status: criteria provided, single submitter. Criteria: ICSL Variant Classification Criteria 13 December 2019. Collection method: clinical testing. Allele origin: germline.
Comment: This variant was observed in the ICSL laboratory as part of a predisposition screen in an ostensibly healthy population. It had not been previously curated by ICSL or reported in the Human Gene Mutation Database (HGMD: prior to June 1st, 2018), and was therefore a candidate for classification through an automated scoring system. Utilizing variant allele frequency, disease prevalence and penetrance estimates, and inheritance mode, an automated score was calculated to assess if this variant is too frequent to cause the disease. Based on the score and internal cut-off values, a variant classified as likely benign is not then subjected to further curation. The score for this variant resulted in a classification of likely benign for this disease.

Breakthrough Genomics
Classification: Likely benign. Review status: criteria provided, single submitter. Criteria: ACMG Guidelines, 2015. Collection method: not provided. Allele origin: germline. Inheritance: Autosomal recessive inheritance. Affected: yes.

PreventionGenetics, part of Exact Sciences
Classification: Benign. Review status: criteria provided, single submitter. Criteria: ACMG Guidelines, 2015. Collection method: clinical testing. Allele origin: germline.

Genome Diagnostics Laboratory, Amsterdam University Medical Center
Classification: Benign for Xeroderma pigmentosum variant type. Last evaluated: 2017-09-17. Review status: no assertion criteria provided. Criteria: ACGS Guidelines, 2013. Collection method: clinical testing. Allele origin: germline. Affected: yes. Study: VKGL Data-share Consensus. Not counted in ClinVar's aggregate classification.

Center of Medical Genetics and Primary Health Care
Classification: Benign for Breast Cancer. Review status: no assertion criteria provided. Collection method: clinical testing. Allele origin: germline. Affected: yes. Not counted in ClinVar's aggregate classification.

Clinical Genetics DNA and cytogenetics Diagnostics Lab, Erasmus MC, Erasmus Medical Center
Classification: Benign. Review status: no assertion criteria provided. Collection method: clinical testing. Allele origin: germline. Affected: yes. Study: VKGL Data-share Consensus. Not counted in ClinVar's aggregate classification.

Diagnostic Laboratory, Department of Genetics, University Medical Center Groningen
Classification: Benign for Xeroderma pigmentosum variant type. Review status: no assertion criteria provided. Collection method: clinical testing. Allele origin: germline. Affected: yes. Study: VKGL Data-share Consensus. Not counted in ClinVar's aggregate classification.

Literature cited by the submitters: PubMed 30414346 (cited by Women's Health and Genetics/Laboratory Corporation of America, LabCorp); PubMed 33558524 (cited by Women's Health and Genetics/Laboratory Corporation of America, LabCorp).